The following is an entry in ClinVar:

ClinVar aggregate classification (germline): Conflicting classifications of pathogenicity. Review status: criteria provided, conflicting classifications (1 of 4 stars). 3 submissions from 3 submitters: Likely pathogenic (1); Uncertain significance (2). Last evaluated 2025-04-01.

Conditions:
PLA2G6-associated neurodegeneration (PLAN). Also called: phospholipase A2-associated neurodegeneration. Identifiers: Orphanet 329303, MedGen CN204472, MONDO:0017998.

Allele frequency attached by ClinVar (database versions not stated): gnomAD exomes 0.00001.
gnomAD v4.1: 1 of 1,550,468 alleles (0.000064%); no homozygotes.

Submissions (3):

CeGaT Center for Human Genetics Tuebingen
Classification: Uncertain significance. Last evaluated: 2025-04-01. Review status: criteria provided, single submitter. Criteria: CeGaT Center For Human Genetics Tuebingen Variant Classification Criteria Version 2. Collection method: clinical testing. Allele origin: germline. Affected: yes. Observed: 1 variant allele.
Comment: PLA2G6: PM2

Broad Center for Mendelian Genomics, Broad Institute of MIT and Harvard
Classification: Uncertain significance for PLA2G6-associated neurodegeneration. Last evaluated: 2023-01-24. Review status: criteria provided, single submitter. Criteria: ACMG Guidelines, 2015. Collection method: curation. Allele origin: germline. Inheritance: Autosomal recessive inheritance.
Comment: The p.Leu511Pro variant in PLA2G6 has not been previously reported in the literature in individuals with PLA2G6-associated neurodegeneration but has been identified in 0.002% (1/61322) of European (non-Finnish) chromosomes by the Genome Aggregation Database (gnomAD; dbSNP ID: rs1356679312). Although this variant has been seen in the general population in a heterozygous state, its frequency is low enough to be consistent with a recessive carrier frequency. This variant has also been reported in ClinVar (Variation ID#: 449896) and has been interpreted as likely pathogenic by GeneDx. Computational prediction tools and conservation analyses suggest that this variant may impact the protein, though this information is not predictive enough to determine pathogenicity. In summary, the clinical significance of the p.Leu511Pro variant is uncertain. ACMG/AMP Criteria applied: PP3, PM2_supporting (Richards 2015).

GeneDx
Classification: Likely pathogenic. Last evaluated: 2017-03-30. Review status: criteria provided, single submitter. Criteria: GeneDx Variant Classification (06012015). Collection method: clinical testing. Allele origin: germline. Affected: yes.
Comment: The L511P variant in the PLA2G6 gene has not been reported previously as a pathogenic variant, nor as a benign variant, to our knowledge. The L511P variant is not observed in large population cohorts (Lek et al., 2016; 1000 Genomes Consortium et al., 2015; Exome Variant Server). The L511P variant is a semi-conservative amino acid substitution, which may impact secondary protein structure as these residues differ in some properties. This substitution occurs at a position where amino acids with similar properties to Leucine are tolerated across species. In silico analysis predicts this variant is probably damaging to the protein structure/function. We interpret L511P as a likely pathogenic variant.

NM_003560.4(PLA2G6):c.1532T>C (p.Leu511Pro)

Gene: PLA2G6 (phospholipase A2 group VI; minus strand). Cytogenetic location: 22q13.1.
Variant type: single nucleotide variant.
Coding change: c.1532T>C on transcript NM_003560.4 (MANE Select); coding-DNA position 1532, T replaced by C.
Protein change: p.Leu511Pro; replaces leucine 511 with proline.
Molecular consequence: missense variant.
Genome position (GRCh38, 1-based): chr22:38,123,154, A>G on the plus strand (T>C on the coding strand, the complement: PLA2G6 is on the minus strand). VCF-style: chr22-38123154-A-G. GRCh37 (hg19) VCF-style: chr22-38519161-A-G.
Other names: NM_003560.4(PLA2G6):c.1532T>C; p.Leu511Pro; c.1370T>C, p.Leu457Pro (NM_001004426.3, NM_001199562.3, NM_001349865.2 and 1 more transcripts); c.1532T>C, p.Leu511Pro (NM_001349864.2); c.998T>C, p.Leu333Pro (NM_001349867.2); c.854T>C, p.Leu285Pro (NM_001349868.2); c.836T>C, p.Leu279Pro (NM_001349869.2); short protein forms L511P, L279P, L285P, L333P, L457P.
Identifiers: ClinVar variation 449896 (VCV000449896.11), dbSNP rs1356679312, ClinGen allele CA411527887.